The following is an entry in ClinVar:

ClinVar aggregate classification (germline): Benign. Review status: criteria provided, multiple submitters, no conflicts (2 of 4 stars). 2 submissions from 2 submitters: Benign (2). Last evaluated 2018-06-14.

Allele frequency attached by ClinVar (database versions not stated): gnomAD exomes 0.02564; gnomAD 0.06199 and 0.06517; 1000 Genomes Project 0.06290; 1000 Genomes Project 30x 0.06527; TOPMed 0.06680.
gnomAD v4.1: 25,927 of 783,084 alleles (3.3%); highest among the groups gnomAD compares: African/African-American, 16%; 1,051 homozygotes.

Submissions (2):

GeneDx
Classification: Benign. Last evaluated: 2018-06-14. Review status: criteria provided, single submitter. Criteria: GeneDx Variant Classification (06012015). Collection method: clinical testing. Allele origin: germline. Affected: yes.
Comment: This variant is considered likely benign or benign based on one or more of the following criteria: it is a conservative change, it occurs at a poorly conserved position in the protein, it is predicted to be benign by multiple in silico algorithms, and/or has population frequency not consistent with disease.

Breakthrough Genomics
Classification: Benign. Review status: criteria provided, single submitter. Criteria: ACMG Guidelines, 2015. Collection method: not provided. Allele origin: germline. Inheritance: Autosomal recessive inheritance. Affected: yes.

NM_001854.4(COL11A1):c.2809-107A>G

Gene: COL11A1 (collagen type XI alpha 1 chain; minus strand). Cytogenetic location: 1p21.1.
Variant type: single nucleotide variant.
Coding change: c.2809-107A>G on transcript NM_001854.4 (MANE Select); 107 bases into the intron before coding-DNA position 2809, A replaced by G.
Molecular consequence: intron variant.
Genome position (GRCh38, 1-based): chr1:102,970,379, T>C on the plus strand (A>G on the coding strand, the complement: COL11A1 is on the minus strand). VCF-style: chr1-102970379-T-C. GRCh37 (hg19) VCF-style: chr1-103435935-T-C.
Other names: c.2692-107A>G (NM_001190709.2); c.2845-107A>G (NM_080629.3); c.2461-107A>G (NM_080630.4).
Identifiers: ClinVar variation 675126 (VCV000675126.2), dbSNP rs2253854, ClinGen allele CA27699941.